The following is an entry in ClinVar:

ClinVar aggregate classification (germline): Likely benign (0 of 4 stars; one submission).

Conditions:
SEPTIN6-related disorder. Also called: SEPTIN6-related condition.

Allele frequency attached by ClinVar (database versions not stated): gnomAD 0.00013; TOPMed 0.00013; ExAC 0.00023; 1000 Genomes Project 0.00079; 1000 Genomes Project 30x 0.00083.
gnomAD v4.1: 103 of 1,206,270 alleles (0.0085%); highest among the groups gnomAD compares: East Asian, 0.14%; no homozygotes.

Submission:

PreventionGenetics, part of Exact Sciences
Classification: Likely benign for SEPTIN6-related condition. Last evaluated: 2023-04-20. Review status: no assertion criteria provided. Collection method: clinical testing. Allele origin: germline.
Comment: This variant is classified as likely benign based on ACMG/AMP sequence variant interpretation guidelines (Richards et al. 2015 PMID: 25741868, with internal and published modifications).

NM_145799.4(SEPTIN6):c.354C>T (p.Ile118=)

Gene: SEPTIN6 (septin 6; minus strand). Cytogenetic location: Xq24.
Variant type: single nucleotide variant.
Coding change: c.354C>T on transcript NM_145799.4 (MANE Select); coding-DNA position 354, C replaced by T.
Protein change: p.Ile118=; no amino-acid change (isoleucine 118 retained).
Molecular consequence: synonymous variant.
Genome position (GRCh38, 1-based): chrX:119,653,028, G>A on the plus strand (C>T on the coding strand, the complement: SEPTIN6 is on the minus strand). VCF-style: chrX-119653028-G-A. GRCh37 (hg19) VCF-style: chrX-118786991-G-A.
Other names: c.354C>T, p.Ile118= (NM_001410710.1, NM_015129.6, NM_145800.4 and 1 more transcripts).
Identifiers: ClinVar variation 3054941 (VCV003054941.2), dbSNP rs186193225, ClinGen allele CA10502825.